The following is an entry in ClinVar:

NM_000037.4(ANK1):c.1054A>G (p.Arg352Gly)

Gene: ANK1 (ankyrin 1; minus strand). Cytogenetic location: 8p11.21.
Variant type: single nucleotide variant.
Coding change: c.1054A>G on transcript NM_000037.4 (MANE Select); coding-DNA position 1054, A replaced by G.
Protein change: p.Arg352Gly; replaces arginine 352 with glycine.
Molecular consequence: missense variant.
Genome position (GRCh38, 1-based): chr8:41,719,714, T>C on the plus strand (A>G on the coding strand, the complement: ANK1 is on the minus strand). VCF-style: chr8-41719714-T-C. GRCh37 (hg19) VCF-style: chr8-41577232-T-C.
Other names: p.Arg352Gly; c.1153A>G, p.Arg385Gly (NM_001142446.2); c.1054A>G, p.Arg352Gly (NM_020475.3, NM_020476.3, NM_020477.3); short protein forms R352G, R385G.
Identifiers: ClinVar variation 2683016 (VCV002683016.4), dbSNP rs762791251, ClinGen allele CA4728762.

ClinVar aggregate classification (germline): Uncertain significance. Review status: criteria provided, multiple submitters, no conflicts (2 of 4 stars). 4 submissions from 4 submitters: Uncertain significance (4). Last evaluated 2026-01-21.

Conditions:
Hereditary spherocytosis type 1. Also called: Spherocytosis type 1; ANK1-Related Spherocytosis. Identifiers: Orphanet 822, MedGen C2674218, MONDO:0008447, OMIM 182900.
Hereditary spherocytosis (SPH). Also called: Congenital spherocytic hemolytic anemia; Congenital spherocytosis. Identifiers: Orphanet 822, MedGen C0037889, MONDO:0019350. Disease mechanism: loss of function.

Allele frequency attached by ClinVar (database versions not stated): ExAC 0.00002; gnomAD 0.00003; TOPMed 0.00003; gnomAD exomes 0.00010.
gnomAD v4.1: 143 of 1,614,130 alleles (0.0089%); highest among the groups gnomAD compares: Non-Finnish European, 0.012%; no homozygotes.

Submissions (4):

Labcorp Genetics (formerly Invitae), Labcorp
Classification: Uncertain significance. Last evaluated: 2026-01-21. Review status: criteria provided, single submitter. Criteria: Invitae Variant Classification Sherloc (09022015). Collection method: clinical testing. Allele origin: germline.
Comment: This sequence change replaces arginine, which is basic and polar, with glycine, which is neutral and non-polar, at codon 352 of the ANK1 protein (p.Arg352Gly). This variant is present in population databases (rs762791251, gnomAD 0.005%). This variant has not been reported in the literature in individuals affected with ANK1-related conditions. ClinVar contains an entry for this variant (Variation ID: 2683016). Invitae Evidence Modeling of protein sequence and biophysical properties (such as structural, functional, and spatial information, amino acid conservation, physicochemical variation, residue mobility, and thermodynamic stability) has been performed for this missense variant. However, the output from this modeling did not meet the statistical confidence thresholds required to predict the impact of this variant on ANK1 protein function. In summary, the available evidence is currently insufficient to determine the role of this variant in disease. Therefore, it has been classified as a Variant of Uncertain Significance.

ARUP Laboratories, Molecular Genetics and Genomics, ARUP Laboratories
Classification: Uncertain significance for Hereditary spherocytosis type 1. Last evaluated: 2024-01-08. Review status: criteria provided, single submitter. Criteria: ARUP Molecular Germline Variant Investigation Process 2024. Collection method: clinical testing. Allele origin: germline.

Department of Pathology and Laboratory Medicine, Sinai Health System
Classification: Uncertain significance for hereditary spherocytosis. Last evaluated: 2023-08-31. Review status: criteria provided, single submitter. Criteria: ACMG Guidelines, 2015. Collection method: research. Allele origin: germline.

Mayo Clinic Laboratories, Mayo Clinic
Classification: Uncertain significance. Last evaluated: 2023-02-17. Review status: criteria provided, single submitter. Criteria: ACMG Guidelines, 2015. Collection method: clinical testing. Allele origin: germline. Observed: 1 variant allele.